The following is an entry in ClinVar:

NM_001130438.3(SPTAN1):c.5085= (p.Leu1695=)

Gene: SPTAN1 (spectrin alpha, non-erythrocytic 1; plus strand). Cytogenetic location: 9q34.11.
Variant type: single nucleotide variant.
Coding change: c.5085= on transcript NM_001130438.3 (MANE Select); coding-DNA position 5085, no change from the reference sequence.
Protein change: p.Leu1695=; no amino-acid change (leucine 1695 retained).
Molecular consequence: no sequence alteration.
Genome position: GRCh38 VCF-style: chr9-128613422-A-A. GRCh37 (hg19) VCF-style: chr9-131375701-A-A.
Other names: p.L1695L:CTG>CTA; c.5010=, p.Leu1670= (NM_001195532.2); c.5085=, p.Leu1695= (NM_001363759.2); c.5025=, p.Leu1675= (NM_001363765.2); c.5070=, p.Leu1690= (NM_003127.4).
Identifiers: ClinVar variation 139295 (VCV000139295.13), dbSNP rs1415568.
Genomic context (GRCh38, chr9:128,613,422, plus strand): 5'-TTTGTGTTTTCATTGCCAGGTGGAGGCCCTGCTGGCATCCGAAGATTATGGCAAAGACCT[A=]GCTTCTGTGAACAACCTGCTGAAAAAGCATCAACTGCTGGAAGCAGATATATCTGCCCAT-3'
Protein context (NP_001123910.1, residues 1685-1705): LLASEDYGKD[Leu1695=]ASVNNLLKKH

ClinVar aggregate classification (germline): Benign. Review status: criteria provided, multiple submitters, no conflicts (2 of 4 stars). 2 submissions from 2 submitters: Benign (2). Last evaluated 2026-02-03.

Conditions:
Early-infantile DEE. Also called: Early infantile epileptic encephalopathy; Ohtahara syndrome; Early infantile epileptic encephalopathy with suppression bursts. Identifiers: Orphanet 1934, MedGen C0393706, MONDO:0800491.

Allele frequency attached by ClinVar (database versions not stated): gnomAD exomes 0.00129 and 0.00344; ExAC 0.00409; gnomAD 0.01410 and 0.01520; ESP Exome Variant Server 0.01461; 1000 Genomes Project 0.01518; TOPMed 0.01568; 1000 Genomes Project 30x 0.01608.

Submissions (2):

Labcorp Genetics (formerly Invitae), Labcorp
Classification: Benign for Early-infantile DEE. Last evaluated: 2026-02-03. Review status: criteria provided, single submitter. Criteria: Invitae Variant Classification Sherloc (09022015). Collection method: clinical testing. Allele origin: germline.

GeneDx
Classification: Benign. Last evaluated: 2013-02-05. Review status: criteria provided, single submitter. Criteria: GeneDx Variant Classification (06012015). Collection method: clinical testing. Allele origin: germline. Affected: yes.
Comment: This variant is considered likely benign or benign based on one or more of the following criteria: it is a conservative change, it occurs at a poorly conserved position in the protein, it is predicted to be benign by multiple in silico algorithms, and/or has population frequency not consistent with disease.